The following is an entry in ClinVar:

NM_015046.7(SETX):c.992T>C (p.Ile331Thr)

Gene: SETX (senataxin; minus strand). Cytogenetic location: 9q34.13.
Variant type: single nucleotide variant.
Coding change: c.992T>C on transcript NM_015046.7 (MANE Select); coding-DNA position 992, T replaced by C.
Protein change: p.Ile331Thr; replaces isoleucine 331 with threonine.
Molecular consequence: missense variant.
Genome position (GRCh38, 1-based): chr9:132,331,295, A>G on the plus strand (T>C on the coding strand, the complement: SETX is on the minus strand). VCF-style: chr9-132331295-A-G. GRCh37 (hg19) VCF-style: chr9-135206682-A-G.
Other names: c.992T>C, p.Ile331Thr (NM_001351527.2, NM_001351528.2); short protein forms I331T.
Identifiers: ClinVar variation 3226334 (VCV003226334.2), dbSNP rs1422277504, ClinGen allele CA375346396.

ClinVar aggregate classification (germline): Uncertain significance. Review status: criteria provided, multiple submitters, no conflicts (2 of 4 stars). 2 submissions from 2 submitters: Uncertain significance (2). Last evaluated 2025-12-11.

Conditions:
Inborn genetic diseases. Identifiers: MedGen C0950123, MeSH D030342.
SETX-related disorder. Also called: SETX-related disorders; SETX-related condition. Identifiers: MedGen CN239403.

Allele frequency attached by ClinVar (database versions not stated): gnomAD 0.00001; gnomAD exomes 0.00001.
gnomAD v4.1: 16 of 1,614,002 alleles (0.00099%); highest among the groups gnomAD compares: African/African-American, 0.008%; no homozygotes.

Submissions (2):

PreventionGenetics, part of Exact Sciences
Classification: Uncertain significance for SETX-related condition. Last evaluated: 2025-12-11. Review status: criteria provided, single submitter. Criteria: ACMG Guidelines, 2015. Collection method: clinical testing. Allele origin: germline.
Comment: The SETX c.992T>C variant is predicted to result in the amino acid substitution p.Ile331Thr. This variant was noted in an individual with autosomal recessive amyotrophic lateral sclerosis (ALS) who also was noted to be a compound heterozygote for two SPG11 variants (Liu et al. 2021. PubMed ID: 34275688). Alternate variants at the same amino acid position (p.Ile331Lys, p.Ile331Val) have been reported in individuals with SETX-related disorders (Nanetti et al. 2013. PubMed ID: 23941260; Guan et al. 2020. PubMed ID: 31743419; Supplemental Data, Ruf et al. 2023. PubMed ID: 37223130). The c.992T>C variant is reported in 0.012% of alleles in individuals of African descent in gnomAD. At this time, the clinical significance of this variant is uncertain due to the absence of conclusive functional and genetic evidence.

Ambry Genetics
Classification: Uncertain significance for Inborn genetic diseases. Last evaluated: 2020-08-20. Review status: criteria provided, single submitter. Criteria: Ambry Variant Classification Scheme 2023. Collection method: clinical testing. Allele origin: germline.
Comment: The p.I331T variant (also known as c.992T>C), located in coding exon 6 of the SETX gene, results from a T to C substitution at nucleotide position 992. The isoleucine at codon 331 is replaced by threonine, an amino acid with similar properties. This amino acid position is well conserved in available vertebrate species. In addition, the in silico prediction for this alteration is inconclusive. Since supporting evidence is limited at this time, the clinical significance of this alteration remains unclear.